The following is an entry in ClinVar:

ClinVar aggregate classification (germline): Uncertain significance. Review status: criteria provided, multiple submitters, no conflicts (2 of 4 stars). 2 submissions from 2 submitters: Uncertain significance (2). Last evaluated 2025-03-31.

Conditions:
PEX12-related disorder. Also called: PEX12-related disorders; PEX12-related condition.

Submissions (2):

PreventionGenetics, part of Exact Sciences
Classification: Uncertain significance for PEX12-related condition. Last evaluated: 2025-03-31. Review status: criteria provided, single submitter. Criteria: ACMG Guidelines, 2015. Collection method: clinical testing. Allele origin: germline.
Comment: The PEX12 c.438T>G variant is predicted to result in the amino acid substitution p.His146Gln. To our knowledge, this variant has not been reported in the literature. This variant is reported in 0.026% of alleles in individuals of South Asian descent in gnomAD. At this time, the clinical significance of this variant is uncertain due to the absence of conclusive functional and genetic evidence.

Blueprint Genetics
Classification: Uncertain significance. Last evaluated: 2020-12-17. Review status: criteria provided, single submitter. Criteria: ACMG Guidelines, 2015. Collection method: clinical testing. Allele origin: germline.

NM_000286.3(PEX12):c.438T>G (p.His146Gln)

Gene: PEX12 (peroxisomal biogenesis factor 12; minus strand). Cytogenetic location: 17q12.
Variant type: single nucleotide variant.
Coding change: c.438T>G on transcript NM_000286.3 (MANE Select); coding-DNA position 438, T replaced by G.
Protein change: p.His146Gln; replaces histidine 146 with glutamine.
Molecular consequence: missense variant.
Genome position (GRCh38, 1-based): chr17:35,577,280, A>C on the plus strand (T>G on the coding strand, the complement: PEX12 is on the minus strand). VCF-style: chr17-35577280-A-C. GRCh37 (hg19) VCF-style: chr17-33904299-A-C.
Other names: c.438T>G (NM_000286.2); short protein forms H146Q.
Identifiers: ClinVar variation 4934762 (VCV004934762.2).